The following is an entry in ClinVar:

NM_004304.5(ALK):c.1711A>T (p.Asn571Tyr)

Gene: ALK (ALK receptor tyrosine kinase; minus strand). Cytogenetic location: 2p23.2.
Variant type: single nucleotide variant.
Coding change: c.1711A>T on transcript NM_004304.5 (MANE Select); coding-DNA position 1711, A replaced by T.
Protein change: p.Asn571Tyr; replaces asparagine 571 with tyrosine.
Molecular consequence: missense variant.
Genome position (GRCh38, 1-based): chr2:29,296,994, T>A on the plus strand (A>T on the coding strand, the complement: ALK is on the minus strand). VCF-style: chr2-29296994-T-A. GRCh37 (hg19) VCF-style: chr2-29519860-T-A.
Other names: short protein forms N571Y.
Identifiers: ClinVar variation 4843255 (VCV004843255.1).

ClinVar aggregate classification (germline): Uncertain significance (1 of 4 stars; one submission).

Conditions:
Hereditary cancer-predisposing syndrome. Also called: Neoplastic Syndromes, Hereditary; Tumor predisposition; Hereditary Cancer Syndrome; Hereditary neoplastic syndrome. Identifiers: Orphanet 140162, MedGen C0027672, MeSH D009386, MONDO:0015356.

Submission:

Ambry Genetics
Classification: Uncertain significance for Hereditary cancer-predisposing syndrome. Last evaluated: 2025-12-30. Review status: criteria provided, single submitter. Criteria: Ambry Variant Classification Scheme 2023. Collection method: clinical testing. Allele origin: germline.
Comment: The p.N571Y variant (also known as c.1711A>T), located in coding exon 9 of the ALK gene, results from an A to T substitution at nucleotide position 1711. The asparagine at codon 571 is replaced by tyrosine, an amino acid with dissimilar properties. This amino acid position is conserved. In addition, the in silico prediction for this alteration is inconclusive. Based on the available evidence, the clinical significance of this variant remains unclear.